The following is an entry in ClinVar:

NM_000094.4(COL7A1):c.85G>C (p.Val29Leu)

Gene: COL7A1 (collagen type VII alpha 1 chain; minus strand). Cytogenetic location: 3p21.31.
Variant type: single nucleotide variant.
Coding change: c.85G>C on transcript NM_000094.4 (MANE Select); coding-DNA position 85, G replaced by C.
Protein change: p.Val29Leu; replaces valine 29 with leucine.
Molecular consequence: missense variant.
Genome position (GRCh38, 1-based): chr3:48,595,075, C>G on the plus strand (G>C on the coding strand, the complement: COL7A1 is on the minus strand). VCF-style: chr3-48595075-C-G. GRCh37 (hg19) VCF-style: chr3-48632508-C-G.
Other names: short protein forms V29L.
Identifiers: ClinVar variation 1466437 (VCV001466437.8), dbSNP rs2107811679, ClinGen allele CA352750114.

ClinVar aggregate classification (germline): Uncertain significance (1 of 4 stars; one submission).

Allele frequency attached by ClinVar (database versions not stated): gnomAD exomes below 0.00001.
gnomAD v4.1: 1 of 1,550,026 alleles (0.000065%); highest among the groups gnomAD compares: Non-Finnish European, 0.000087%; no homozygotes.

Submission:

Labcorp Genetics (formerly Invitae), Labcorp
Classification: Uncertain significance. Last evaluated: 2022-07-19. Review status: criteria provided, single submitter. Criteria: Invitae Variant Classification Sherloc (09022015). Collection method: clinical testing. Allele origin: germline.
Comment: Algorithms developed to predict the effect of missense changes on protein structure and function are either unavailable or do not agree on the potential impact of this missense change (SIFT: "Tolerated"; PolyPhen-2: "Not Available"; Align-GVGD: "Class C0"). ClinVar contains an entry for this variant (Variation ID: 1466437). This variant has not been reported in the literature in individuals affected with COL7A1-related conditions. This variant is not present in population databases (gnomAD no frequency). This sequence change replaces valine, which is neutral and non-polar, with leucine, which is neutral and non-polar, at codon 29 of the COL7A1 protein (p.Val29Leu). This variant also falls at the last nucleotide of exon 1, which is part of the consensus splice site for this exon. Variants that disrupt the consensus splice site are a relatively common cause of aberrant splicing (PMID: 17576681, 9536098). Algorithms developed to predict the effect of sequence changes on RNA splicing suggest that this variant may disrupt the consensus splice site. In summary, the available evidence is currently insufficient to determine the role of this variant in disease. Therefore, it has been classified as a Variant of Uncertain Significance.

Literature cited by the submitters: PubMed 17576681; PubMed 9536098.